The following is an entry in ClinVar:

ClinVar aggregate classification (germline): Uncertain significance. Review status: criteria provided, multiple submitters, no conflicts (2 of 4 stars). 2 submissions from 2 submitters: Uncertain significance (2). Last evaluated 2024-04-04.

Conditions:
Short-rib thoracic dysplasia 16 with or without polydactyly (SRTD16). Identifiers: MedGen C4310718, MONDO:0014915, OMIM 617102.

Allele frequency attached by ClinVar (database versions not stated): gnomAD 0.00004 and 0.00003; TOPMed 0.00004; gnomAD exomes below 0.00001; ExAC 0.00001.
gnomAD v4.1: 7 of 1,613,998 alleles (0.00043%); highest among the groups gnomAD compares: African/African-American, 0.008%; no homozygotes.

Submissions (2):

Ambry Genetics
Classification: Uncertain significance. Last evaluated: 2024-04-04. Review status: criteria provided, single submitter. Criteria: Ambry Variant Classification Scheme 2023. Collection method: clinical testing. Allele origin: germline.

Laboratorio de Genetica e Diagnostico Molecular, Hospital Israelita Albert Einstein
Classification: Uncertain significance for Short-rib thoracic dysplasia 16 with or without polydactyly. Last evaluated: 2021-07-06. Review status: criteria provided, single submitter. Criteria: ACMG Guidelines, 2015. Collection method: clinical testing. Allele origin: germline. Affected: yes.
Comment: ACMG classification criteria: PM2 moderate, BP4 supporting

NM_016004.5(IFT52):c.1189C>T (p.Pro397Ser)

Gene: IFT52 (intraflagellar transport 52; plus strand). Cytogenetic location: 20q13.12.
Variant type: single nucleotide variant.
Coding change: c.1189C>T on transcript NM_016004.5 (MANE Select); coding-DNA position 1189, C replaced by T.
Protein change: p.Pro397Ser; replaces proline 397 with serine.
Molecular consequence: missense variant. On other transcripts: intron variant (1).
Genome position (GRCh38, 1-based): chr20:43,642,547, C>T. VCF-style: chr20-43642547-C-T. GRCh37 (hg19) VCF-style: chr20-42271187-C-T.
Other names: c.1189C>T, p.Pro397Ser (NM_001303458.3); c.661C>T, p.Pro221Ser (NM_001323578.2, NM_001323580.2); c.538C>T, p.Pro180Ser (NM_001323579.2, NM_001323581.2); c.1121-4389C>T (NM_001303459.3); c.1189C>T (NM_016004.2); short protein forms P180S, P221S, P397S.
Identifiers: ClinVar variation 1683682 (VCV001683682.3), dbSNP rs764053825, ClinGen allele CA9867128.